The following is an entry in ClinVar:

NM_018249.6(CDK5RAP2):c.134C>T (p.Pro45Leu)

Gene: CDK5RAP2 (CDK5 regulatory subunit associated protein 2; minus strand). Cytogenetic location: 9q33.2.
Variant type: single nucleotide variant.
Coding change: c.134C>T on transcript NM_018249.6 (MANE Select); coding-DNA position 134, C replaced by T.
Protein change: p.Pro45Leu; replaces proline 45 with leucine.
Molecular consequence: missense variant. On other transcripts: non-coding transcript variant (5).
Genome position (GRCh38, 1-based): chr9:120,568,382, G>A on the plus strand (C>T on the coding strand, the complement: CDK5RAP2 is on the minus strand). VCF-style: chr9-120568382-G-A. GRCh37 (hg19) VCF-style: chr9-123330660-G-A.
Other names: c.134C>T, p.Pro45Leu (NM_001011649.3, NM_001272039.2); short protein forms P45L.
Identifiers: ClinVar variation 1676797 (VCV001676797.3), dbSNP rs2042723087, ClinGen allele CA374716549.

ClinVar aggregate classification (germline): Uncertain significance (1 of 4 stars; one submission).

Submission:

Centre of Medical Genetics, University Hospital Muenster
Classification: Uncertain significance. Last evaluated: 2022-02-15. Review status: criteria provided, single submitter. Criteria: ACMG Guidelines, 2015. Collection method: clinical testing. Allele origin: unknown. Affected: yes. Observed: 1 variant allele, 1 heterozygote.
Comment: ACMG categories: PM2